The following is an entry in ClinVar:

NM_000540.3(RYR1):c.6566_6567del (p.Lys2189fs)

Gene: RYR1 (ryanodine receptor 1; plus strand). Cytogenetic location: 19q13.2.
Variant type: Deletion.
Coding change: c.6566_6567del on transcript NM_000540.3 (MANE Select); coding-DNA positions 6566 to 6567, 2 bases deleted (AA; older notation c.6566_6567delAA).
Protein change: p.Lys2189fs; shifts the reading frame from lysine 2189.
Molecular consequence: frameshift variant.
Genome position (GRCh38, 1-based): chr19:38,496,232-38,496,233, AA deleted; deleting any 2 consecutive bases within chr19:38,496,231-38,496,233 gives the same sequence; the c. name uses the placement nearest the transcript's 3' end. VCF-style (leftmost placement, unchanged base first): chr19-38496230-CAA-C. GRCh37 (hg19) VCF-style: chr19-38986870-CAA-C.
Other names: c.6566_6567delAA (NM_000540.2); c.6566_6567del, p.Lys2189fs (NM_001042723.2); short protein forms K2189fs.
Identifiers: ClinVar variation 421003 (VCV000421003.2), dbSNP rs1064794845, ClinGen allele CA16620836.

ClinVar aggregate classification (germline): Likely pathogenic (1 of 4 stars; one submission).

Submission:

GeneDx
Classification: Likely pathogenic. Last evaluated: 2016-04-22. Review status: criteria provided, single submitter. Criteria: GeneDx Variant Classification (06012015). Collection method: clinical testing. Allele origin: germline. Affected: yes.
Comment: The c.6566_6567delAA variant in the RYR1 gene has not been reported previously as a pathogenic variant nor as a benign variant, to our knowledge. The c.6566_6567delAA variant causes a frameshift starting with codon Lysine 2189, changes this amino acid to a Serine residue, and creates a premature Stop codon at position 63 of the new reading frame, denoted p.Lys2189SerfsX63. This variant is predicted to cause loss of normal protein function either through protein truncation or nonsense-mediated mRNA decay. The c.6566_6567delAA variant was not observed in approximately 6,500 individuals of European and African American ancestry in the NHLBI Exome Sequencing Project, indicating it is not a common benign variant in these populations. We interpret c.6566_6567delAA as a likely pathogenic variant.